The following is an entry in ClinVar:

ClinVar aggregate classification (germline): Uncertain significance. Review status: criteria provided, multiple submitters, no conflicts (2 of 4 stars). 2 submissions from 2 submitters: Uncertain significance (2). Last evaluated 2025-08-20.

Conditions:
Nemaline myopathy 9 (NEM9). Identifiers: MedGen C3810384, MONDO:0014326, OMIM 615731.
Inborn genetic diseases. Identifiers: MedGen C0950123, MeSH D030342.

Allele frequency attached by ClinVar (database versions not stated): gnomAD 0.00002 and 0.00003; TOPMed 0.00002; ESP Exome Variant Server 0.00008.
gnomAD v4.1: 47 of 1,613,682 alleles (0.0029%); highest among the groups gnomAD compares: Non-Finnish European, 0.004%; no homozygotes.

Submissions (2):

Ambry Genetics
Classification: Uncertain significance for Inborn genetic diseases. Last evaluated: 2025-08-20. Review status: criteria provided, single submitter. Criteria: Ambry Variant Classification Scheme 2023. Collection method: clinical testing. Allele origin: germline.

Labcorp Genetics (formerly Invitae), Labcorp
Classification: Uncertain significance for Nemaline myopathy 9. Last evaluated: 2022-07-06. Review status: criteria provided, single submitter. Criteria: Invitae Variant Classification Sherloc (09022015). Collection method: clinical testing. Allele origin: germline.
Comment: This sequence change replaces aspartic acid, which is acidic and polar, with histidine, which is basic and polar, at codon 361 of the KLHL41 protein (p.Asp361His). This variant is present in population databases (rs150768955, gnomAD 0.007%). This variant has not been reported in the literature in individuals affected with KLHL41-related conditions. ClinVar contains an entry for this variant (Variation ID: 660094). Algorithms developed to predict the effect of missense changes on protein structure and function are either unavailable or do not agree on the potential impact of this missense change (SIFT: "Deleterious"; PolyPhen-2: "Benign"; Align-GVGD: "Class C0"). In summary, the available evidence is currently insufficient to determine the role of this variant in disease. Therefore, it has been classified as a Variant of Uncertain Significance.

NM_006063.3(KLHL41):c.1081G>C (p.Asp361His)

Gene: KLHL41 (kelch like family member 41; plus strand). Cytogenetic location: 2q31.1.
Variant type: single nucleotide variant.
Coding change: c.1081G>C on transcript NM_006063.3 (MANE Select); coding-DNA position 1081, G replaced by C.
Protein change: p.Asp361His; replaces aspartic acid 361 with histidine.
Molecular consequence: missense variant.
Genome position (GRCh38, 1-based): chr2:169,510,859, G>C. VCF-style: chr2-169510859-G-C. GRCh37 (hg19) VCF-style: chr2-170367369-G-C.
Other names: short protein forms D361H.
Identifiers: ClinVar variation 660094 (VCV000660094.9), dbSNP rs150768955, ClinGen allele CA59943886.